The following is an entry in ClinVar:

NM_138959.3(VANGL1):c.*6794C>A

Gene: VANGL1 (VANGL planar cell polarity protein 1; plus strand). Cytogenetic location: 1p13.1.
Variant type: single nucleotide variant.
Coding change: c.*6794C>A on transcript NM_138959.3 (MANE Select); 6794 bases downstream of the stop codon, C replaced by A.
Molecular consequence: 3 prime UTR variant.
Genome position (GRCh38, 1-based): chr1:115,698,173, C>A. VCF-style: chr1-115698173-C-A. GRCh37 (hg19) VCF-style: chr1-116240794-C-A.
Other names: c.*6794C>A (NM_001172411.2, NM_001172412.2).
Identifiers: ClinVar variation 874140 (VCV000874140.35), dbSNP rs562835629, ClinGen allele CA29603234.

ClinVar aggregate classification (germline): Conflicting classifications of pathogenicity. Review status: criteria provided, conflicting classifications (1 of 4 stars). 3 submissions from 2 submitters: Uncertain significance (2); Benign (1). Last evaluated 2022-11-01.

Conditions:
Sacral defect with anterior meningocele. Identifiers: MedGen C1838568, OMIM 600145.
Neural tube defect (NTD). Also called: Neural tube defects. Identifiers: Orphanet 3388, Orphanet 823, MedGen C0027794, MONDO:0018075, HP:0045005.

Allele frequency attached by ClinVar (database versions not stated): 1000 Genomes Project 30x 0.00016; 1000 Genomes Project 0.00020; TOPMed 0.00056; gnomAD 0.00065 and 0.00068.

Submissions (3):

CeGaT Center for Human Genetics Tuebingen
Classification: Benign. Last evaluated: 2022-11-01. Review status: criteria provided, single submitter. Criteria: CeGaT Center For Human Genetics Tuebingen Variant Classification Criteria Version 2. Collection method: clinical testing. Allele origin: germline. Affected: yes. Observed: 4 variant alleles.
Comment: VANGL1: BS1, BS2

Illumina Laboratory Services, Illumina
Classification: Uncertain significance for Sacral defect with anterior meningocele. Last evaluated: 2018-01-13. Review status: criteria provided, single submitter. Criteria: ICSL Variant Classification Criteria 13 December 2019. Collection method: clinical testing. Allele origin: germline.

Illumina Laboratory Services, Illumina
Classification: Uncertain significance for Neural tube defects, susceptibility to. Last evaluated: 2018-01-13. Review status: criteria provided, single submitter. Criteria: ICSL Variant Classification Criteria 13 December 2019. Collection method: clinical testing. Allele origin: germline.